The following is an entry in ClinVar:

ClinVar aggregate classification (germline): Likely benign (1 of 4 stars; one submission).

Allele frequency attached by ClinVar (database versions not stated): gnomAD exomes 0.00001.
gnomAD v4.1: 8 of 1,614,026 alleles (0.0005%); highest among the groups gnomAD compares: Non-Finnish European, 0.00068%; no homozygotes.

Submission:

CeGaT Center for Human Genetics Tuebingen
Classification: Likely benign. Last evaluated: 2024-06-01. Review status: criteria provided, single submitter. Criteria: CeGaT Center For Human Genetics Tuebingen Variant Classification Criteria Version 2. Collection method: clinical testing. Allele origin: germline. Affected: yes. Observed: 1 variant allele.
Comment: SETD2: PM2:Supporting, BP4, BP7

NM_014159.7(SETD2):c.2766G>A (p.Lys922=)

Gene: SETD2 (SET domain containing 2, histone lysine methyltransferase; minus strand). Cytogenetic location: 3p21.31.
Variant type: single nucleotide variant.
Coding change: c.2766G>A on transcript NM_014159.7 (MANE Select); coding-DNA position 2766, G replaced by A.
Protein change: p.Lys922=; no amino-acid change (lysine 922 retained).
Molecular consequence: synonymous variant. On other transcripts: non-coding transcript variant (1).
Genome position (GRCh38, 1-based): chr3:47,121,870, C>T on the plus strand (G>A on the coding strand, the complement: SETD2 is on the minus strand). VCF-style: chr3-47121870-C-T. GRCh37 (hg19) VCF-style: chr3-47163360-C-T.
Other names: c.2634G>A, p.Lys878= (NM_001349370.3).
Identifiers: ClinVar variation 3250628 (VCV003250628.18), dbSNP rs961811628.